The following is an entry in ClinVar:

ClinVar aggregate classification (germline): Likely benign (1 of 4 stars; one submission).

Submission:

CeGaT Center for Human Genetics Tuebingen
Classification: Likely benign. Last evaluated: 2023-08-01. Review status: criteria provided, single submitter. Criteria: CeGaT Center For Human Genetics Tuebingen Variant Classification Criteria Version 2. Collection method: clinical testing. Allele origin: germline. Affected: yes. Observed: 1 variant allele.
Comment: MLLT3: BP4, BP7

NM_004529.4(MLLT3):c.489C>T (p.Ser163=)

Gene: MLLT3 (MLLT3 super elongation complex subunit; minus strand). Cytogenetic location: 9p21.3.
Variant type: single nucleotide variant.
Coding change: c.489C>T on transcript NM_004529.4 (MANE Select); coding-DNA position 489, C replaced by T.
Protein change: p.Ser163=; no amino-acid change (serine 163 retained).
Molecular consequence: synonymous variant.
Genome position (GRCh38, 1-based): chr9:20,414,357, G>A on the plus strand (C>T on the coding strand, the complement: MLLT3 is on the minus strand). VCF-style: chr9-20414357-G-A. GRCh37 (hg19) VCF-style: chr9-20414355-G-A.
Other names: c.480C>T, p.Ser160= (NM_001286691.2).
Identifiers: ClinVar variation 2659109 (VCV002659109.24), dbSNP rs772542081, ClinGen allele CA5005927.